The following is an entry in ClinVar:

NM_002608.4(PDGFB):c.169G>A (p.Gly57Arg)

Gene: PDGFB (platelet derived growth factor subunit B; minus strand). Cytogenetic location: 22q13.1.
Variant type: single nucleotide variant.
Coding change: c.169G>A on transcript NM_002608.4 (MANE Select); coding-DNA position 169, G replaced by A.
Protein change: p.Gly57Arg; replaces glycine 57 with arginine.
Molecular consequence: missense variant.
Genome position (GRCh38, 1-based): chr22:39,233,516, C>T on the plus strand (G>A on the coding strand, the complement: PDGFB is on the minus strand). VCF-style: chr22-39233516-C-T. GRCh37 (hg19) VCF-style: chr22-39629521-C-T.
Other names: c.124G>A, p.Gly42Arg (NM_033016.3); short protein forms G42R, G57R.
Identifiers: ClinVar variation 1202566 (VCV001202566.3), dbSNP rs1165442073, ClinGen allele CA411602443.

ClinVar aggregate classification (germline): Uncertain significance (1 of 4 stars; one submission).

Allele frequency attached by ClinVar (database versions not stated): gnomAD 0.00001; TOPMed 0.00002.
gnomAD v4.1: 1 of 1,587,902 alleles (0.000063%); highest among the groups gnomAD compares: African/African-American, 0.0014%; no homozygotes.

Submission:

GeneDx
Classification: Uncertain significance. Last evaluated: 2020-07-30. Review status: criteria provided, single submitter. Criteria: GeneDx Variant Classification Process June 2021. Collection method: clinical testing. Allele origin: germline. Affected: yes.
Comment: Not observed in large population cohorts (Lek et al., 2016); In silico analysis supports that this missense variant does not alter protein structure/function; Has not been previously published as pathogenic or benign to our knowledge